The following is an entry in ClinVar:

ClinVar aggregate classification (germline): Uncertain significance (1 of 4 stars; one submission).

Conditions:
Epilepsy, familial focal, with variable foci 3 (FFEVF3). Identifiers: MedGen C4310708, MONDO:0014925, OMIM 617118.

Allele frequency attached by ClinVar (database versions not stated): gnomAD exomes below 0.00001; ExAC 0.00001; gnomAD 0.00001; 1000 Genomes Project 30x 0.00016; 1000 Genomes Project 0.00020.
gnomAD v4.1: 4 of 1,610,942 alleles (0.00025%); highest among the groups gnomAD compares: Admixed American, 0.0017%; no homozygotes.

Submission:

Labcorp Genetics (formerly Invitae), Labcorp
Classification: Uncertain significance for Epilepsy, familial focal, with variable foci 3. Last evaluated: 2022-11-23. Review status: criteria provided, single submitter. Criteria: Invitae Variant Classification Sherloc (09022015). Collection method: clinical testing. Allele origin: germline.
Comment: In summary, the available evidence is currently insufficient to determine the role of this variant in disease. Therefore, it has been classified as a Variant of Uncertain Significance. Advanced modeling of protein sequence and biophysical properties (such as structural, functional, and spatial information, amino acid conservation, physicochemical variation, residue mobility, and thermodynamic stability) performed at Invitae indicates that this missense variant is not expected to disrupt NPRL3 protein function. This variant has not been reported in the literature in individuals affected with NPRL3-related conditions. The frequency data for this variant in the population databases is considered unreliable, as metrics indicate poor data quality at this position in the gnomAD database. This sequence change replaces proline, which is neutral and non-polar, with leucine, which is neutral and non-polar, at codon 190 of the NPRL3 protein (p.Pro190Leu).

NM_001077350.3(NPRL3):c.569C>T (p.Pro190Leu)

Genes: HBA-LCR (alpha-globin locus control region; plus strand), NPRL3 (NPR3 like, GATOR1 complex subunit; minus strand). Cytogenetic location: 16p13.3.
Variant type: single nucleotide variant.
Coding change: c.569C>T on transcript NM_001077350.3 (MANE Select); coding-DNA position 569, C replaced by T.
Protein change: p.Pro190Leu; replaces proline 190 with leucine.
Molecular consequence: missense variant.
Genome position (GRCh38, 1-based): chr16:110,585, G>A on the plus strand (C>T on the coding strand, the complement: NPRL3 is on the minus strand). VCF-style: chr16-110585-G-A. GRCh37 (hg19) VCF-style: chr16-160583-G-A.
Other names: c.32C>T, p.Pro11Leu (NM_001039476.3); c.335C>T, p.Pro112Leu (NM_001243247.2); c.494C>T, p.Pro165Leu (NM_001243248.2, NM_001243249.2); short protein forms P11L, P165L, P190L, P112L.
Identifiers: ClinVar variation 2806006 (VCV002806006.3), dbSNP rs530516163, ClinGen allele CA7769619.